The following is an entry in ClinVar:

NM_001256545.2(MEGF10):c.1380T>G (p.Asn460Lys)

Gene: MEGF10 (multiple EGF like domains 10; plus strand). Cytogenetic location: 5q23.2.
Variant type: single nucleotide variant.
Coding change: c.1380T>G on transcript NM_001256545.2 (MANE Select); coding-DNA position 1380, T replaced by G.
Protein change: p.Asn460Lys; replaces asparagine 460 with lysine.
Molecular consequence: missense variant.
Genome position (GRCh38, 1-based): chr5:127,419,194, T>G. VCF-style: chr5-127419194-T-G. GRCh37 (hg19) VCF-style: chr5-126754886-T-G.
Other names: c.1380T>G, p.Asn460Lys (NM_001308119.2, NM_001308121.2, NM_032446.3); short protein forms N460K.
Identifiers: ClinVar variation 582819 (VCV000582819.9), dbSNP rs748227745, ClinGen allele CA3391559.

ClinVar aggregate classification (germline): Uncertain significance. Review status: criteria provided, multiple submitters, no conflicts (2 of 4 stars). 2 submissions from 2 submitters: Uncertain significance (2). Last evaluated 2024-07-16.

Conditions:
Inborn genetic diseases. Identifiers: MedGen C0950123, MeSH D030342.
MEGF10-related myopathy (CMYO10A). Also called: Congenital myopathy 10A, severe variant. Identifiers: Orphanet 439212, MedGen C3280679, MONDO:0013731, OMIM 614399.

Allele frequency attached by ClinVar (database versions not stated): ExAC 0.00002; gnomAD 0.00002 and 0.00003; gnomAD exomes 0.00002 and 0.00003; TOPMed 0.00003.

Submissions (2):

Labcorp Genetics (formerly Invitae), Labcorp
Classification: Uncertain significance for MEGF10-related myopathy. Last evaluated: 2024-07-16. Review status: criteria provided, single submitter. Criteria: Invitae Variant Classification Sherloc (09022015). Collection method: clinical testing. Allele origin: germline.
Comment: This sequence change replaces asparagine, which is neutral and polar, with lysine, which is basic and polar, at codon 460 of the MEGF10 protein (p.Asn460Lys). This variant is present in population databases (rs748227745, gnomAD 0.005%). This variant has not been reported in the literature in individuals affected with MEGF10-related conditions. ClinVar contains an entry for this variant (Variation ID: 582819). Advanced modeling of protein sequence and biophysical properties (such as structural, functional, and spatial information, amino acid conservation, physicochemical variation, residue mobility, and thermodynamic stability) performed at Invitae indicates that this missense variant is not expected to disrupt MEGF10 protein function with a negative predictive value of 80%. In summary, the available evidence is currently insufficient to determine the role of this variant in disease. Therefore, it has been classified as a Variant of Uncertain Significance.

Ambry Genetics
Classification: Uncertain significance for Inborn genetic diseases. Last evaluated: 2022-12-19. Review status: criteria provided, single submitter. Criteria: Ambry Variant Classification Scheme 2023. Collection method: clinical testing. Allele origin: germline.